The following is an entry in ClinVar:

NM_004070.4(CLCNKA):c.1161T>G (p.Leu387=)

Genes: CLCNKA (chloride voltage-gated channel Ka; plus strand), LOC106501712 (CLCNKA recombination region; plus strand). Cytogenetic location: 1p36.13.
Variant type: single nucleotide variant.
Coding change: c.1161T>G on transcript NM_004070.4 (MANE Select); coding-DNA position 1161, T replaced by G.
Protein change: p.Leu387=; no amino-acid change (leucine 387 retained).
Molecular consequence: synonymous variant.
Genome position (GRCh38, 1-based): chr1:16,029,233, T>G. VCF-style: chr1-16029233-T-G. GRCh37 (hg19) VCF-style: chr1-16355728-T-G.
Other names: p.Leu387=; c.1161T>G, p.Leu387= (NM_001042704.2); c.1032T>G, p.Leu344= (NM_001257139.2).
Identifiers: ClinVar variation 447081 (VCV000447081.2), dbSNP rs58150371, ClinGen allele CA622627.
Genomic context (GRCh38, chr1:16,029,233, plus strand): 5'-GGCGCTGATGACCCAGAACTCCAGCCCACCCTGGCCCGAGGAGCTCGACCCCCAGCACCT[T>G]TGGTGGGAATGGTACCACCCGCGGTTCACCATCTTTGGGACCCTTGCCTTCTTCCTGGTT-3'
Protein context (NP_004061.3, residues 377-397): PWPEELDPQH[Leu387=]WWEWYHPRFT

ClinVar aggregate classification (germline): Benign. Review status: criteria provided, multiple submitters, no conflicts (2 of 4 stars). 2 submissions from 2 submitters: Benign (2). Last evaluated 2025-09-05.

Allele frequency attached by ClinVar (database versions not stated): ExAC 0.00570; 1000 Genomes Project 0.01178; 1000 Genomes Project 30x 0.01265; gnomAD exomes 0.00464 and 0.00484; gnomAD 0.01281 and 0.01219; TOPMed 0.01336.
gnomAD v4.1: 8,954 of 1,613,010 alleles (0.56%); highest among the groups gnomAD compares: African/African-American, 3.1%; 75 homozygotes.

Submissions (2):

Mayo Clinic Laboratories, Mayo Clinic
Classification: Benign. Last evaluated: 2025-09-05. Review status: criteria provided, single submitter. Criteria: ACMG Guidelines, 2015. Collection method: clinical testing. Allele origin: germline. Observed: 3 variant alleles.
Comment: BS1, BS2, BP4, BP7

Athena Diagnostics
Classification: Benign. Last evaluated: 2017-04-24. Review status: criteria provided, single submitter. Criteria: Athena Diagnostics Criteria. Collection method: clinical testing. Allele origin: germline.